The following is an entry in ClinVar:

NC_000008.11:g.145065750C>T

Gene: C8orf33 (chromosome 8 open reading frame 33; plus strand). Cytogenetic location: 8q24.3.
Variant type: single nucleotide variant.
Genome position: GRCh38 VCF-style: chr8-145065750-C-T. GRCh37 (hg19) VCF-style: chr8-146291136-C-T.
Identifiers: ClinVar variation 2659005 (VCV002659005.24), dbSNP rs140067069, ClinGen allele CA188013818.

ClinVar aggregate classification (germline): Likely benign (1 of 4 stars; one submission).

Allele frequency attached by ClinVar (database versions not stated): 1000 Genomes Project 30x 0.00156; 1000 Genomes Project 0.00160; gnomAD 0.00212; TOPMed 0.00231.

Submission:

CeGaT Center for Human Genetics Tuebingen
Classification: Likely benign. Last evaluated: 2022-09-01. Review status: criteria provided, single submitter. Criteria: CeGaT Center For Human Genetics Tuebingen Variant Classification Criteria Version 2. Collection method: clinical testing. Allele origin: germline. Affected: yes. Observed: 1 variant allele.
Comment: C8orf33: BS2